The following is an entry in ClinVar:

NM_001145809.2(MYH14):c.2600G>A (p.Arg867His)

Gene: MYH14 (myosin heavy chain 14; plus strand). Cytogenetic location: 19q13.33.
Variant type: single nucleotide variant.
Coding change: c.2600G>A on transcript NM_001145809.2 (MANE Select); coding-DNA position 2600, G replaced by A.
Protein change: p.Arg867His; replaces arginine 867 with histidine.
Molecular consequence: missense variant.
Genome position (GRCh38, 1-based): chr19:50,263,326, G>A. VCF-style: chr19-50263326-G-A. GRCh37 (hg19) VCF-style: chr19-50766583-G-A.
Other names: c.2501G>A, p.Arg834His (NM_001077186.2); c.2477G>A, p.Arg826His (NM_024729.4); short protein forms R826H, R867H, R834H.
Identifiers: ClinVar variation 329922 (VCV000329922.19), dbSNP rs547836952, ClinGen allele CA9593014.

ClinVar aggregate classification (germline): Benign/Likely benign. Review status: criteria provided, multiple submitters, no conflicts (2 of 4 stars). 5 submissions from 5 submitters: Benign (4); Likely benign (1). Last evaluated 2026-01-15.

Conditions:
Autosomal dominant nonsyndromic hearing loss 4A. Also called: Deafness, autosomal dominant 4A. Identifiers: Orphanet 90635, MedGen C1833503, MONDO:0010915, OMIM 600652.

Allele frequency attached by ClinVar (database versions not stated): TOPMed 0.00007; gnomAD 0.00008 and 0.00040; 1000 Genomes Project 30x 0.00250; 1000 Genomes Project 0.00300; ExAC 0.00374.
gnomAD v4.1: 780 of 1,562,446 alleles (0.05%); highest among the groups gnomAD compares: South Asian, 0.82%; 8 homozygotes.

Submissions (5):

Labcorp Genetics (formerly Invitae), Labcorp
Classification: Benign. Last evaluated: 2026-01-15. Review status: criteria provided, single submitter. Criteria: Invitae Variant Classification Sherloc (09022015). Collection method: clinical testing. Allele origin: germline.

Blueprint Genetics
Classification: Likely benign. Last evaluated: 2024-11-05. Review status: criteria provided, single submitter. Criteria: ACMG Guidelines, 2015. Collection method: clinical testing. Allele origin: germline.

GeneDx
Classification: Benign. Last evaluated: 2019-05-09. Review status: criteria provided, single submitter. Criteria: GeneDx Variant Classification Process June 2021. Collection method: clinical testing. Allele origin: germline. Affected: yes.

Illumina Laboratory Services, Illumina
Classification: Benign for Autosomal dominant nonsyndromic hearing loss 4A. Last evaluated: 2018-01-13. Review status: criteria provided, single submitter. Criteria: ICSL Variant Classification Criteria 13 December 2019. Collection method: clinical testing. Allele origin: germline.
Comment: This variant was observed in the ICSL laboratory as part of a predisposition screen in an ostensibly healthy population. It had not been previously curated by ICSL or reported in the Human Gene Mutation Database (HGMD: prior to June 1st, 2018), and was therefore a candidate for classification through an automated scoring system. Utilizing variant allele frequency, disease prevalence and penetrance estimates, and inheritance mode, an automated score was calculated to assess if this variant is too frequent to cause the disease. Based on the score and internal cut-off values, a variant classified as benign is not then subjected to further curation. The score for this variant resulted in a classification of benign for this disease.

Laboratory for Molecular Medicine, Mass General Brigham Personalized Medicine
Classification: Benign. Last evaluated: 2017-07-11. Review status: criteria provided, single submitter. Criteria: LMM Criteria. Collection method: clinical testing. Allele origin: germline. Observed: 1 variant allele.
Comment: p.Arg867His in exon 22 of MYH14: This variant is not expected to have clinical s ignificance because it has been identified in 0.7% (177/23764) of South Asian ch romosomes including 2 homozygotes by the Genome Aggregation Database (gnomAD; dbSNP rs547836952).